The following is an entry in ClinVar:

ClinVar aggregate classification (germline): Pathogenic/Likely pathogenic. Review status: criteria provided, multiple submitters, no conflicts (2 of 4 stars). 3 submissions from 3 submitters: Pathogenic (1); Likely pathogenic (2). Last evaluated 2026-01-06.

Conditions:
Dopa-responsive dystonia due to sepiapterin reductase deficiency. Also called: DYT-SPR; SPR DEFICIENCY; Sepiapterin reductase deficiency. Identifiers: Orphanet 70594, MedGen C0268468, MONDO:0012994, OMIM 612716.
Dystonic disorder. Also called: Dystonia. Identifiers: MedGen C0013421, MONDO:0003441, HP:0001332.

Submissions (3):

3billion
Classification: Pathogenic for Dopa-responsive dystonia due to sepiapterin reductase deficiency. Last evaluated: 2026-01-06. Review status: criteria provided, single submitter. Criteria: ACMG Guidelines, 2015. Collection method: clinical testing. Allele origin: germline. Affected: yes.
Comment: The variant is observed at an extremely low frequency in the gnomAD v4.1.0 dataset (total allele frequency: <0.001%). Predicted Consequence/Location: Canonical splice site: predicted to alter splicing and result in a loss or disruption of normal protein function. The predicted truncated protein may be shortened by less than 10%. In silico tools predict the variant to alter splicing and produce an abnormal transcript [SpliceAI: 1.00 (spliceogenicity >=0.2, non-spliceogenicity <0.1)]. The variant has been reported to be associated with SPR-related disorder (ClinVar ID: VCV001414432 /PMID: 36964972). Therefore, this variant is classified as Pathogenic according to the recommendation of ACMG/AMP guideline.

Labcorp Genetics (formerly Invitae), Labcorp
Classification: Likely pathogenic for Dystonic disorder. Last evaluated: 2025-12-01. Review status: criteria provided, single submitter. Criteria: Invitae Variant Classification Sherloc (09022015). Collection method: clinical testing. Allele origin: germline.
Comment: This variant results in the deletion of part of exon 3 (c.596-2_602del) of the SPR gene. While this variant is not anticipated to result in nonsense mediated decay, it likely alters RNA splicing and results in a disrupted protein product. This variant is not present in population databases (gnomAD no frequency). This variant has been observed in individuals with clinical features of sepiapterin reductase deficiency (PMID: 34550503, 36964972; internal data). It has also been observed to segregate with disease in related individuals. ClinVar contains an entry for this variant (Variation ID: 1414432). Variants that disrupt the consensus splice site are a relatively common cause of aberrant splicing (PMID: 17576681, 9536098). In summary, the currently available evidence indicates that the variant is pathogenic, but additional data are needed to prove that conclusively. Therefore, this variant has been classified as Likely Pathogenic.

Victorian Clinical Genetics Services, Murdoch Childrens Research Institute
Classification: Likely pathogenic for Dopa-responsive dystonia due to sepiapterin reductase deficiency. Last evaluated: 2022-02-02. Review status: criteria provided, single submitter. Criteria: ACMG Guidelines, 2015. Collection method: clinical testing. Allele origin: germline. Inheritance: Autosomal recessive inheritance.
Comment: Based on the classification scheme VCGS_Germline_v1.3.4, this variant is classified as Likely pathogenic. Following criteria are met: 0102 - Loss of function is a known mechanism of disease in this gene and is associated with dopa-responsive dystonia due to sepiapterin reductase deficiency (MIM#612716). (I) 0108 - This gene is associated with both recessive and dominant disease. Autosomal dominant inheritance is not well established but it has been reported for a variant in the untranslated region and a missense variant (PMIDs: 15241655, 29147684). (I) 0211 - Canonical splice site variant without proven consequence on splicing (no functional evidence available). This variant is a 9bp deletion encompassing both canonical splice sites and 7 bases of an exon. (SP) 0252 - This variant is homozygous. (I) 0304 - Variant is present in gnomAD (v3) <0.01 for a recessive condition (1 heterozygote, 0 homozygotes). (SP) 0505 - Abnormal splicing is predicted by in silico tools and affected region is highly conserved. (SP) 0704 - Another canonical splice site variant comparable to the one identified in this case has limited previous evidence for pathogenicity. c.596-2A>G has been reported in multiple individuals with sepiapterin reductase deficiency (PMID: 22522443). (SP) 0803 - This variant has limited previous evidence of pathogenicity in an unrelated individual. It has been reported as homozygous in two affected siblings within a family (PMID: 34550503). (SP) 0905 - No published segregation evidence has been identified for this variant. There is an insufficient number of meioses in the reported family (PMID: 34550503). (I) 1007 - No published functional evidence has been identified for this variant. (I) Legend: (SP) - Supporting pathogenic, (I) - Information, (SB) - Supporting benign

Literature cited by the submitters: PubMed 36964972 (cited by 3billion and Labcorp Genetics (formerly Invitae), Labcorp); PubMed 34550503 (cited by Labcorp Genetics (formerly Invitae), Labcorp and Victorian Clinical Genetics Services, Murdoch Childrens Research Institute); PubMed 17576681 (cited by Labcorp Genetics (formerly Invitae), Labcorp); PubMed 9536098 (cited by Labcorp Genetics (formerly Invitae), Labcorp); PubMed 15241655 (cited by Victorian Clinical Genetics Services, Murdoch Childrens Research Institute); PubMed 22522443 (cited by Victorian Clinical Genetics Services, Murdoch Childrens Research Institute); PubMed 29147684 (cited by Victorian Clinical Genetics Services, Murdoch Childrens Research Institute).

NM_003124.5(SPR):c.596-2_602del

Gene: SPR (sepiapterin reductase; plus strand). Cytogenetic location: 2p13.2.
Variant type: Deletion.
Coding change: c.596-2_602del on transcript NM_003124.5 (MANE Select); the canonical splice acceptor site of the intron before coding-DNA position 596 through coding-DNA position 602, 9 bases deleted (AGGTCCTCT; older notation c.596-2_602delAGGTCCTCT).
Molecular consequence: splice acceptor variant.
Genome position (GRCh38, 1-based): chr2:72,891,345-72,891,353, AGGTCCTCT deleted; deleting any 9 consecutive bases within chr2:72,891,339-72,891,353 gives the same sequence; the c. name uses the placement nearest the transcript's 3' end. VCF-style (leftmost placement, unchanged base first): chr2-72891338-ATCCTCTAGG-A. GRCh37 (hg19) VCF-style: chr2-73118467-ATCCTCTAGG-A.
Other names: c.596-2_602delAGGTCCTCT (NM_003124.4).
Identifiers: ClinVar variation 1414432 (VCV001414432.7), dbSNP rs2105243192, ClinGen allele CA2573050692.
Genomic context (GRCh38, chr2:72,891,338, plus strand): 5'-AACAGGGACCTGAAACCTTCTGTCCCTGCCTTGGCCATGTTCCCTCATCGTCTCCTTTTC[ATCCTCTAGG>A]TCCTCTGGACACAGACATGCAGCAGTTGGCCCGGGAGACCTCCGTGGACCCAGACATGCG-3'